The following is an entry in ClinVar:

NM_000051.4(ATM):c.5605T>G (p.Phe1869Val)

Gene: ATM (ATM serine/threonine kinase; plus strand). Cytogenetic location: 11q22.3.
Variant type: single nucleotide variant.
Coding change: c.5605T>G on transcript NM_000051.4 (MANE Select); coding-DNA position 5605, T replaced by G.
Protein change: p.Phe1869Val; replaces phenylalanine 1869 with valine.
Molecular consequence: missense variant.
Genome position (GRCh38, 1-based): chr11:108,304,783, T>G. VCF-style: chr11-108304783-T-G. GRCh37 (hg19) VCF-style: chr11-108175510-T-G.
Other names: c.5605T>G, p.Phe1869Val (NM_001351834.2); short protein forms F1869V.
Identifiers: ClinVar variation 572731 (VCV000572731.10), dbSNP rs975721205, ClinGen allele CA382546254.
Genomic context (GRCh38, chr11:108,304,783, plus strand): 5'-ATTTTACTCCAAGATACAAATGAATCATGGAGAAATCTGCTTTCTACACATGTTCAGGGA[T>G]TTTTCACCAGCTGTCTTCGACACTTCTCGCAAACGAGCCGATCCACAACCCCTGCAAACT-3'
Protein context (NP_000042.3, residues 1859-1879): RNLLSTHVQG[Phe1869Val]FTSCLRHFSQ

ClinVar aggregate classification (germline): Uncertain significance. Review status: criteria provided, multiple submitters, no conflicts (2 of 4 stars). 2 submissions from 2 submitters: Uncertain significance (2). Last evaluated 2023-05-14.

Conditions:
Hereditary cancer-predisposing syndrome. Also called: Hereditary neoplastic syndrome; Neoplastic Syndromes, Hereditary; Hereditary Cancer Syndrome; Tumor predisposition. Identifiers: Orphanet 140162, MedGen C0027672, MeSH D009386, MONDO:0015356.
Ataxia-telangiectasia syndrome (AT). Also called: AT, COMPLEMENTATION GROUP C; Cerebello-oculocutaneous telangiectasia; Immunodeficiency with ataxia telangiectasia; Ataxia-telangiectasia, complementation group D; ATAXIA-TELANGIECTASIA, FRESNO VARIANT; Ataxia-telangiectasia, complementation group E. Identifiers: Orphanet 100, MedGen C0004135, MONDO:0008840, OMIM 208900.

Submissions (2):

Labcorp Genetics (formerly Invitae), Labcorp
Classification: Uncertain significance for Ataxia-telangiectasia syndrome. Last evaluated: 2023-05-14. Review status: criteria provided, single submitter. Criteria: Invitae Variant Classification Sherloc (09022015). Collection method: clinical testing. Allele origin: germline.
Comment: This variant is not present in population databases (gnomAD no frequency). This variant has not been reported in the literature in individuals affected with ATM-related conditions. ClinVar contains an entry for this variant (Variation ID: 572731). An algorithm developed to predict the effect of missense changes on protein structure and function (PolyPhen-2) suggests that this variant is likely to be disruptive. In summary, the available evidence is currently insufficient to determine the role of this variant in disease. Therefore, it has been classified as a Variant of Uncertain Significance. This sequence change replaces phenylalanine, which is neutral and non-polar, with valine, which is neutral and non-polar, at codon 1869 of the ATM protein (p.Phe1869Val).

Ambry Genetics
Classification: Uncertain significance for Hereditary cancer-predisposing syndrome. Last evaluated: 2021-03-03. Review status: criteria provided, single submitter. Criteria: Ambry Variant Classification Scheme 2023. Collection method: clinical testing. Allele origin: germline.
Comment: The p.F1869V variant (also known as c.5605T>G), located in coding exon 36 of the ATM gene, results from a T to G substitution at nucleotide position 5605. The phenylalanine at codon 1869 is replaced by valine, an amino acid with highly similar properties. This amino acid position is highly conserved in available vertebrate species. In addition, this alteration is predicted to be deleterious by in silico analysis. Since supporting evidence is limited at this time, the clinical significance of this alteration remains unclear.